The following is an entry in ClinVar:

NM_000091.5(COL4A3):c.1100C>T (p.Ala367Val)

Genes: COL4A3 (collagen type IV alpha 3 chain; plus strand), MFF-DT (MFF divergent transcript; minus strand). Cytogenetic location: 2q36.3.
Variant type: single nucleotide variant.
Coding change: c.1100C>T on transcript NM_000091.5 (MANE Select); coding-DNA position 1100, C replaced by T.
Protein change: p.Ala367Val; replaces alanine 367 with valine.
Molecular consequence: missense variant.
Genome position (GRCh38, 1-based): chr2:227,259,863, C>T. VCF-style: chr2-227259863-C-T. GRCh37 (hg19) VCF-style: chr2-228124579-C-T.
Other names: short protein forms A367V.
Identifiers: ClinVar variation 3586010 (VCV003586010.2).

ClinVar aggregate classification (germline): Uncertain significance. Review status: criteria provided, multiple submitters, no conflicts (2 of 4 stars). 2 submissions from 2 submitters: Uncertain significance (2). Last evaluated 2024-11-20.

Conditions:
Autosomal dominant Alport syndrome (ATS3A). Also called: Alport syndrome dominant type; Renal failure and sensorineural hearing loss; ALPORT SYNDROME 3A, AUTOSOMAL DOMINANT. Identifiers: Orphanet 63, Orphanet 88918, MedGen C5882663, MONDO:0007086, OMIM 104200.
Hematuria, benign familial, 2 (BFH2). Identifiers: MedGen C5830421, MONDO:0958186, OMIM 620320.
Alport syndrome 3b, autosomal recessive. Identifiers: MedGen C5882699, MONDO:0957811, OMIM 620536.

gnomAD v4.1: 2 of 1,612,706 alleles (0.00012%); highest among the groups gnomAD compares: Admixed American, 0.0033%; no homozygotes.

Submissions (2):

GeneDx
Classification: Uncertain significance. Last evaluated: 2024-11-20. Review status: criteria provided, single submitter. Criteria: GeneDx Variant Classification Process June 2021. Collection method: clinical testing. Allele origin: germline. Affected: yes.
Comment: Not observed at significant frequency in large population cohorts (gnomAD); In silico analysis indicates that this missense variant does not alter protein structure/function; Occurs in the triple helical domain at the Y position in the canonical Gly-X-Y repeat; although this variant may have an effect on normal protein folding and function, missense substitution at the Y position is not a common mechanism of disease; Has not been previously published as pathogenic or benign to our knowledge

Fulgent Genetics
Classification: Uncertain significance for Autosomal dominant Alport syndrome; Hematuria, benign familial, 2; Alport syndrome 3b, autosomal recessive. Last evaluated: 2024-01-08. Review status: criteria provided, single submitter. Criteria: ACMG Guidelines, 2015. Collection method: clinical testing. Allele origin: germline.